The following is an entry in ClinVar:

NM_003579.4(RAD54L):c.73T>G (p.Trp25Gly)

Gene: RAD54L (RAD54 like; plus strand). Cytogenetic location: 1p34.1.
Variant type: single nucleotide variant.
Coding change: c.73T>G on transcript NM_003579.4 (MANE Select); coding-DNA position 73, T replaced by G.
Protein change: p.Trp25Gly; replaces tryptophan 25 with glycine.
Molecular consequence: missense variant. On other transcripts: 5 prime UTR variant (1).
Genome position (GRCh38, 1-based): chr1:46,248,581, T>G. VCF-style: chr1-46248581-T-G. GRCh37 (hg19) VCF-style: chr1-46714253-T-G.
Other names: c.73T>G, p.Trp25Gly (NM_001142548.2); c.-468T>G (NM_001370766.1); short protein forms W25G.
Identifiers: ClinVar variation 3429792 (VCV003429792.1).
Genomic context (GRCh38, chr1:46,248,581, plus strand): 5'-TTGGCTCCCAGCCAGCTGGCCAAGAGAAAACCTGAAGGCAGGTCCTGTGATGATGAAGAC[T>G]GGCAACCTGGCCTAGTGGTGAGCACTCAAGGGGACAGGGAAGGTGGGTAGAGCTGTTTGG-3'
Protein context (NP_003570.2, residues 15-35): PEGRSCDDED[Trp25Gly]QPGLVTPRKR

ClinVar aggregate classification (germline): Uncertain significance (1 of 4 stars; one submission).

Submission:

Ambry Genetics
Classification: Uncertain significance. Last evaluated: 2024-07-06. Review status: criteria provided, single submitter. Criteria: Ambry Variant Classification Scheme 2023. Collection method: clinical testing. Allele origin: germline.
Comment: The p.W25G variant (also known as c.73T>G), located in coding exon 2 of the RAD54L gene, results from a T to G substitution at nucleotide position 73. The tryptophan at codon 25 is replaced by glycine, an amino acid with highly dissimilar properties. This amino acid position is conserved. In addition, this alteration is predicted to be deleterious by in silico analysis. Based on the available evidence, the clinical significance of this variant remains unclear.